The following is an entry in ClinVar:

ClinVar aggregate classification (germline): Uncertain significance. Review status: criteria provided, single submitter (1 of 4 stars). 2 submissions from 1 submitter: Uncertain significance (2). Last evaluated 2026-01-21.

Conditions:
Muscular dystrophy, limb-girdle, autosomal recessive 23. Identifiers: Orphanet 565837, MedGen C4748327, MONDO:0029136, OMIM 618138.
Merosin deficient congenital muscular dystrophy (MDC1A). Also called: Congenital Muscular Dystrophy Type 1A (MDC1A); Congenital merosin-deficient muscular dystrophy 1A. Identifiers: Orphanet 258, MedGen C1263858, MONDO:0011925, OMIM 607855.

Submissions (2):

MVZ Medizinische Genetik Mainz
Classification: Uncertain significance for Merosin deficient congenital muscular dystrophy. Last evaluated: 2026-01-21. Review status: criteria provided, single submitter. Criteria: UK Practice Guidelines For Variant Classification V4 01 2020. Collection method: clinical testing. Allele origin: germline. Inheritance: Autosomal recessive inheritance. Affected: yes. Observed: 1 variant allele.
Comment: ACMG Criteria: PP3_STR,PM2_SUP

MVZ Medizinische Genetik Mainz
Classification: Uncertain significance for Muscular dystrophy, limb-girdle, autosomal recessive 23. Last evaluated: 2026-01-21. Review status: criteria provided, single submitter. Criteria: UK Practice Guidelines For Variant Classification V4 01 2020. Collection method: clinical testing. Allele origin: germline. Inheritance: Autosomal recessive inheritance. Affected: yes. Observed: 1 variant allele.
Comment: the same text as in the submission from MVZ Medizinische Genetik Mainz above.

NM_000426.4(LAMA2):c.2327G>A (p.Cys776Tyr)

Gene: LAMA2 (laminin subunit alpha 2; plus strand). Cytogenetic location: 6q22.33.
Variant type: single nucleotide variant.
Coding change: c.2327G>A on transcript NM_000426.4 (MANE Select); coding-DNA position 2327, G replaced by A.
Protein change: p.Cys776Tyr; replaces cysteine 776 with tyrosine.
Molecular consequence: missense variant.
Genome position (GRCh38, 1-based): chr6:129,270,628, G>A. VCF-style: chr6-129270628-G-A. GRCh37 (hg19) VCF-style: chr6-129591773-G-A.
Other names: c.2327G>A, p.Cys776Tyr (NM_001079823.2); short protein forms C776Y.
Identifiers: ClinVar variation 4796774 (VCV004796774.1).